The following is an entry in ClinVar:

ClinVar aggregate classification (germline): Likely benign (1 of 4 stars; one submission).

Conditions:
PLEC-related disorder. Also called: PLEC-related condition; PLEC-related disorders.

gnomAD v4.1: 5 of 1,599,084 alleles (0.00031%); highest among the groups gnomAD compares: Non-Finnish European, 0.00034%; no homozygotes.

Submission:

PreventionGenetics, part of Exact Sciences
Classification: Likely benign for PLEC-related condition. Last evaluated: 2026-09-26. Review status: criteria provided, single submitter. Criteria: ACMG Guidelines, 2015. Collection method: clinical testing. Allele origin: germline.
Comment: This variant is classified as likely benign based on ACMG/AMP sequence variant interpretation guidelines (Richards et al. 2015 PMID: 25741868, with internal and published modifications).

NM_201384.3(PLEC):c.7876C>T (p.Leu2626=)

Gene: PLEC (plectin; minus strand). Cytogenetic location: 8q24.3.
Variant type: single nucleotide variant.
Coding change: c.7876C>T on transcript NM_201384.3 (MANE Select); coding-DNA position 7876, C replaced by T.
Protein change: p.Leu2626=; no amino-acid change (leucine 2626 retained).
Molecular consequence: synonymous variant.
Genome position (GRCh38, 1-based): chr8:143,921,945, G>A on the plus strand (C>T on the coding strand, the complement: PLEC is on the minus strand). VCF-style: chr8-143921945-G-A. GRCh37 (hg19) VCF-style: chr8-144996113-G-A.
Other names: c.7957C>T, p.Leu2653= (NM_000445.5); c.4576C>T, p.Leu1526= (NM_001410941.1); c.7834C>T, p.Leu2612= (NM_201378.4); c.7810C>T, p.Leu2604= (NM_201379.3); c.8287C>T, p.Leu2763= (NM_201380.4); c.7780C>T, p.Leu2594= (NM_201381.3); c.7876C>T, p.Leu2626= (NM_201382.4); c.7888C>T, p.Leu2630= (NM_201383.3).
Identifiers: ClinVar variation 4985823 (VCV004985823.1).